The following is an entry in ClinVar:

NM_000268.4(NF2):c.363+19C>A

Gene: NF2 (NF2, moesin-ezrin-radixin like (MERLIN) tumor suppressor; plus strand). Cytogenetic location: 22q12.2.
Variant type: single nucleotide variant.
Coding change: c.363+19C>A on transcript NM_000268.4 (MANE Select); 19 bases into the intron after coding-DNA position 363, C replaced by A.
Molecular consequence: intron variant.
Genome position (GRCh38, 1-based): chr22:29,639,231, C>A. VCF-style: chr22-29639231-C-A. GRCh37 (hg19) VCF-style: chr22-30035220-C-A.
Other names: c.363+19C>A (NM_016418.5, NM_181832.3, NM_181833.3 and 1 more transcripts); c.240+2355C>A (NM_181829.3); c.237+19C>A (NM_181828.3); c.115-2971C>A (NM_181830.3, NM_181831.3).
Identifiers: ClinVar variation 512284 (VCV000512284.10), dbSNP rs202225081, ClinGen allele CA030194.

ClinVar aggregate classification (germline): Likely benign. Review status: criteria provided, multiple submitters, no conflicts (2 of 4 stars). 3 submissions from 3 submitters: Likely benign (3). Last evaluated 2026-02-03.

Conditions:
Neurofibromatosis, type 2 (SWNV). Also called: BILATERAL ACOUSTIC NEUROFIBROMATOSIS; NF2-Related Schwannomatosis; SCHWANNOMATOSIS, VESTIBULAR. Identifiers: Orphanet 637, MedGen C0027832, MONDO:0007039, OMIM 101000. Disease mechanism: loss of function.

Allele frequency attached by ClinVar (database versions not stated): ExAC 0.00015; gnomAD 0.00015 and 0.00016; TOPMed 0.00019; gnomAD exomes 0.00025.
gnomAD v4.1: 679 of 1,613,172 alleles (0.042%); highest among the groups gnomAD compares: Non-Finnish European, 0.056%; no homozygotes.

Submissions (3):

Labcorp Genetics (formerly Invitae), Labcorp
Classification: Likely benign for Neurofibromatosis, type 2. Last evaluated: 2026-02-03. Review status: criteria provided, single submitter. Criteria: Invitae Variant Classification Sherloc (09022015). Collection method: clinical testing. Allele origin: germline.

Blueprint Genetics
Classification: Likely benign. Last evaluated: 2024-09-24. Review status: criteria provided, single submitter. Criteria: ACMG Guidelines, 2015. Collection method: clinical testing. Allele origin: germline.

GeneDx
Classification: Likely benign. Last evaluated: 2017-09-22. Review status: criteria provided, single submitter. Criteria: GeneDx Variant Classification (06012015). Collection method: clinical testing. Allele origin: germline. Affected: yes.
Comment: This variant is considered likely benign or benign based on one or more of the following criteria: it is a conservative change, it occurs at a poorly conserved position in the protein, it is predicted to be benign by multiple in silico algorithms, and/or has population frequency not consistent with disease.